The following is an entry in ClinVar:

ClinVar aggregate classification (germline): Likely benign. Review status: criteria provided, single submitter (1 of 4 stars). 2 submissions from 2 submitters: Likely benign (1). 1 of the submissions does not count toward it. Last evaluated 2025-06-30.

Conditions:
USP9X-related disorder. Also called: USP9X-related condition.

Allele frequency attached by ClinVar (database versions not stated): gnomAD exomes 0.00002 and 0.00006; ExAC 0.00006; ESP Exome Variant Server 0.00010; gnomAD 0.00020 and 0.00021; TOPMed 0.00028; 1000 Genomes Project 0.00053; 1000 Genomes Project 30x 0.00062.
gnomAD v4.1: 49 of 1,199,862 alleles (0.0041%); highest among the groups gnomAD compares: African/African-American, 0.047%; no homozygotes.

Submissions (2):

Labcorp Genetics (formerly Invitae), Labcorp
Classification: Likely benign. Last evaluated: 2025-06-30. Review status: criteria provided, single submitter. Criteria: Invitae Variant Classification Sherloc (09022015). Collection method: clinical testing. Allele origin: germline.

PreventionGenetics, part of Exact Sciences
Classification: Likely benign for USP9X-related condition. Last evaluated: 2019-05-31. Review status: no assertion criteria provided. Collection method: clinical testing. Allele origin: germline. Not counted in ClinVar's aggregate classification.
Comment: This variant is classified as likely benign based on ACMG/AMP sequence variant interpretation guidelines (Richards et al. 2015 PMID: 25741868, with internal and published modifications).

NM_001039591.3(USP9X):c.4155C>T (p.Tyr1385=)

Gene: USP9X (ubiquitin specific peptidase 9 X-linked; plus strand). Cytogenetic location: Xp11.4.
Variant type: single nucleotide variant.
Coding change: c.4155C>T on transcript NM_001039591.3 (MANE Select); coding-DNA position 4155, C replaced by T.
Protein change: p.Tyr1385=; no amino-acid change (tyrosine 1385 retained).
Molecular consequence: synonymous variant.
Genome position (GRCh38, 1-based): chrX:41,196,660, C>T. VCF-style: chrX-41196660-C-T. GRCh37 (hg19) VCF-style: chrX-41055913-C-T.
Other names: c.4155C>T, p.Tyr1385= (NM_001039590.3).
Identifiers: ClinVar variation 742558 (VCV000742558.8), dbSNP rs375050827, ClinGen allele CA10388827.